The following is an entry in ClinVar:

NM_001927.4(DES):c.68G>A (p.Gly23Asp)

Gene: DES (desmin; plus strand). Cytogenetic location: 2q35.
Variant type: single nucleotide variant.
Coding change: c.68G>A on transcript NM_001927.4 (MANE Select); coding-DNA position 68, G replaced by A.
Protein change: p.Gly23Asp; replaces glycine 23 with aspartic acid.
Molecular consequence: missense variant.
Genome position (GRCh38, 1-based): chr2:219,418,530, G>A. VCF-style: chr2-219418530-G-A. GRCh37 (hg19) VCF-style: chr2-220283252-G-A.
Other names: c.68G>A, p.Gly23Asp (NM_001382708.1, NM_001382709.1, NM_001382710.1 and 3 more transcripts); short protein forms G23D.
Identifiers: ClinVar variation 2461390 (VCV002461390.6), dbSNP rs3903257, ClinGen allele CA2125014.

ClinVar aggregate classification (germline): Uncertain significance. Review status: criteria provided, multiple submitters, no conflicts (2 of 4 stars). 2 submissions from 2 submitters: Uncertain significance (2). Last evaluated 2025-12-29.

Conditions:
Cardiovascular phenotype. Identifiers: MedGen CN230736.
Desmin-related myofibrillar myopathy (MFM1). Also called: Desminopathy; Desmin related myopathy (former name); Desmin storage myopathy (former name); MYOFIBRILLAR MYOPATHY WITH ARRHYTHMOGENIC RIGHT VENTRICULAR CARDIOMYOPATHY; DESMIN-RELATED MYOPATHY WITH ARRHYTHMOGENIC RIGHT VENTRICULAR CARDIOMYOPATHY; Myofibrillar myopathy 1. Identifiers: Orphanet 363543, Orphanet 98909, MedGen C1832370, MONDO:0011076, OMIM 601419.

Allele frequency attached by ClinVar (database versions not stated): ExAC 0.00001; gnomAD exomes 0.00002.

Submissions (2):

Ambry Genetics
Classification: Uncertain significance for Cardiovascular phenotype. Last evaluated: 2025-12-29. Review status: criteria provided, single submitter. Criteria: Ambry Variant Classification Scheme 2023. Collection method: clinical testing. Allele origin: germline.

Labcorp Genetics (formerly Invitae), Labcorp
Classification: Uncertain significance for Desmin-related myofibrillar myopathy. Last evaluated: 2024-10-01. Review status: criteria provided, single submitter. Criteria: Invitae Variant Classification Sherloc (09022015). Collection method: clinical testing. Allele origin: germline.
Comment: This sequence change replaces glycine, which is neutral and non-polar, with aspartic acid, which is acidic and polar, at codon 23 of the DES protein (p.Gly23Asp). The frequency data for this variant in the population databases is considered unreliable, as metrics indicate poor data quality at this position in the gnomAD database. This variant has not been reported in the literature in individuals affected with DES-related conditions. ClinVar contains an entry for this variant (Variation ID: 2461390). Invitae Evidence Modeling of protein sequence and biophysical properties (such as structural, functional, and spatial information, amino acid conservation, physicochemical variation, residue mobility, and thermodynamic stability) has been performed for this missense variant. However, the output from this modeling did not meet the statistical confidence thresholds required to predict the impact of this variant on DES protein function. In summary, the available evidence is currently insufficient to determine the role of this variant in disease. Therefore, it has been classified as a Variant of Uncertain Significance.